The following is an entry in ClinVar:

ClinVar aggregate classification (germline): Uncertain significance (1 of 4 stars; one submission).

Allele frequency attached by ClinVar (database versions not stated): gnomAD 0.00001.
gnomAD v4.1: 1 of 1,613,818 alleles (0.000062%); highest among the groups gnomAD compares: Non-Finnish European, 0.000085%; no homozygotes.

Submission:

Labcorp Genetics (formerly Invitae), Labcorp
Classification: Uncertain significance. Last evaluated: 2021-12-02. Review status: criteria provided, single submitter. Criteria: Invitae Variant Classification Sherloc (09022015). Collection method: clinical testing. Allele origin: germline.
Comment: In summary, the available evidence is currently insufficient to determine the role of this variant in disease. Therefore, it has been classified as a Variant of Uncertain Significance. Algorithms developed to predict the effect of missense changes on protein structure and function (SIFT, PolyPhen-2, Align-GVGD) all suggest that this variant is likely to be tolerated. This variant has not been reported in the literature in individuals affected with DNM1L-related conditions. This variant is present in population databases (no rsID available, gnomAD 0.007%). This sequence change replaces serine, which is neutral and polar, with proline, which is neutral and non-polar, at codon 607 of the DNM1L protein (p.Ser607Pro).

NM_012062.5(DNM1L):c.1819T>C (p.Ser607Pro)

Gene: DNM1L (dynamin 1 like; plus strand). Cytogenetic location: 12p11.21.
Variant type: single nucleotide variant.
Coding change: c.1819T>C on transcript NM_012062.5 (MANE Select); coding-DNA position 1819, T replaced by C.
Protein change: p.Ser607Pro; replaces serine 607 with proline.
Molecular consequence: missense variant.
Genome position (GRCh38, 1-based): chr12:32,740,175, T>C. VCF-style: chr12-32740175-T-C. GRCh37 (hg19) VCF-style: chr12-32893109-T-C.
Other names: c.1786T>C, p.Ser596Pro (NM_001278463.2); c.1858T>C, p.Ser620Pro (NM_001278464.2); c.1825T>C, p.Ser609Pro (NM_001278465.2); c.1210T>C, p.Ser404Pro (NM_001278466.2); c.1747T>C, p.Ser583Pro (NM_001330380.2); c.1708T>C, p.Ser570Pro (NM_005690.5); c.1741T>C, p.Ser581Pro (NM_012063.4); short protein forms S404P, S570P, S607P, S581P, S609P, S620P, S583P, S596P.
Identifiers: ClinVar variation 1449515 (VCV001449515.6), dbSNP rs1373025030, ClinGen allele CA384362916.